The following is an entry in ClinVar:

NM_005560.6(LAMA5):c.7374C>T (p.Ala2458=)

Gene: LAMA5 (laminin subunit alpha 5; minus strand). Cytogenetic location: 20q13.33.
Variant type: single nucleotide variant.
Coding change: c.7374C>T on transcript NM_005560.6 (MANE Select); coding-DNA position 7374, C replaced by T.
Protein change: p.Ala2458=; no amino-acid change (alanine 2458 retained).
Molecular consequence: synonymous variant.
Genome position (GRCh38, 1-based): chr20:62,317,482, G>A on the plus strand (C>T on the coding strand, the complement: LAMA5 is on the minus strand). VCF-style: chr20-62317482-G-A. GRCh37 (hg19) VCF-style: chr20-60892538-G-A.
Identifiers: ClinVar variation 788924 (VCV000788924.33), dbSNP rs146174815, ClinGen allele CA9941252.

ClinVar aggregate classification (germline): Benign/Likely benign. Review status: criteria provided, multiple submitters, no conflicts (2 of 4 stars). 4 submissions from 4 submitters: Benign (2); Likely benign (1). 1 of the submissions does not count toward it. Last evaluated 2026-09-01.

Conditions:
LAMA5-related disorder. Also called: LAMA5-related condition; LAMA5-Related Disorders.

Allele frequency attached by ClinVar (database versions not stated): 1000 Genomes Project 0.00220; 1000 Genomes Project 30x 0.00234; gnomAD exomes 0.00515; TOPMed 0.00554; gnomAD 0.00582; ESP Exome Variant Server 0.00598.
gnomAD v4.1: 11,900 of 1,551,526 alleles (0.77%); highest among the groups gnomAD compares: Non-Finnish European, 0.94%; 63 homozygotes.

Submissions (4):

CeGaT Center for Human Genetics Tuebingen
Classification: Likely benign. Last evaluated: 2026-09-01. Review status: criteria provided, single submitter. Criteria: CeGaT Center For Human Genetics Tuebingen Variant Classification Criteria Version 2. Collection method: clinical testing. Allele origin: germline. Affected: yes. Observed: 12 variant alleles.
Comment: LAMA5: BP4, BP7, BS2

Labcorp Genetics (formerly Invitae), Labcorp
Classification: Benign. Last evaluated: 2026-01-27. Review status: criteria provided, single submitter. Criteria: Invitae Variant Classification Sherloc (09022015). Collection method: clinical testing. Allele origin: germline.

Breakthrough Genomics
Classification: Benign. Review status: criteria provided, single submitter. Criteria: ACMG Guidelines, 2015. Collection method: not provided. Allele origin: germline. Inheritance: Autosomal recessive inheritance. Affected: yes.

PreventionGenetics, part of Exact Sciences
Classification: Benign for LAMA5-related condition. Last evaluated: 2019-06-12. Review status: no assertion criteria provided. Collection method: clinical testing. Allele origin: germline. Not counted in ClinVar's aggregate classification.
Comment: This variant is classified as benign based on ACMG/AMP sequence variant interpretation guidelines (Richards et al. 2015 PMID: 25741868, with internal and published modifications).